The following is an entry in ClinVar:

ClinVar aggregate classification (germline): Benign/Likely benign. Review status: criteria provided, multiple submitters, no conflicts (2 of 4 stars). 11 submissions from 11 submitters: Benign (8); Likely benign (1). 2 of the submissions do not count toward it. Last evaluated 2026-02-04.

Conditions:
Aicardi-Goutieres syndrome 2. Identifiers: Orphanet 51, MedGen C3489724, MONDO:0012429, OMIM 610181.

Submissions (11):

Labcorp Genetics (formerly Invitae), Labcorp
Classification: Benign for Aicardi-Goutieres syndrome 2. Last evaluated: 2026-02-04. Review status: criteria provided, single submitter. Criteria: Invitae Variant Classification Sherloc (09022015). Collection method: clinical testing. Allele origin: germline.

ARUP Laboratories, Molecular Genetics and Genomics, ARUP Laboratories
Classification: Benign for Aicardi-Goutieres syndrome 2. Last evaluated: 2025-04-08. Review status: criteria provided, single submitter. Criteria: ARUP Molecular Germline Variant Investigation Process 2024. Collection method: clinical testing. Allele origin: germline.

Blueprint Genetics
Classification: Likely benign. Last evaluated: 2024-11-27. Review status: criteria provided, single submitter. Criteria: ACMG Guidelines, 2015. Collection method: clinical testing. Allele origin: germline.

Mayo Clinic Laboratories, Mayo Clinic
Classification: Benign. Last evaluated: 2023-11-10. Review status: criteria provided, single submitter. Criteria: ACMG Guidelines, 2015. Collection method: clinical testing. Allele origin: germline. Observed: 38 variant alleles.
Comment: BA1

Athena Diagnostics
Classification: Benign. Last evaluated: 2023-11-02. Review status: criteria provided, single submitter. Criteria: Athena Diagnostics Criteria. Collection method: clinical testing. Allele origin: unknown.

Women's Health and Genetics/Laboratory Corporation of America, LabCorp
Classification: Benign. Last evaluated: 2022-02-18. Review status: criteria provided, single submitter. Criteria: LabCorp Variant Classification Summary - May 2015. Collection method: clinical testing. Allele origin: germline.
Comment: Variant summary: RNASEH2B c.925dupA (p.Ile309AsnfsX8) causes a frameshift which results in an extension of the protein. The variant allele was found at a frequency of 0.039 in 161976 control chromosomes in the gnomAD database, including 59 homozygotes. The observed variant frequency is approximately 58 fold of the estimated maximal expected allele frequency for a pathogenic variant in RNASEH2B causing Aicardi Goutieres Syndrome phenotype (0.00067), strongly suggesting that the variant is benign. Four clinical diagnostic laboratories have submitted clinical-significance assessments for this variant to ClinVar after 2014 and classified the variant as benign (n=3) and likely benign (n=1). Based on the evidence outlined above, the variant was classified as benign.

Fulgent Genetics
Classification: Benign for Aicardi-Goutieres syndrome 2. Last evaluated: 2021-07-16. Review status: criteria provided, single submitter. Criteria: ACMG Guidelines, 2015. Collection method: clinical testing. Allele origin: unknown.

GeneDx
Classification: Benign. Last evaluated: 2017-11-07. Review status: criteria provided, single submitter. Criteria: GeneDx Variant Classification Process June 2021. Collection method: clinical testing. Allele origin: germline. Affected: yes.

Eurofins Ntd Llc (ga)
Classification: Benign. Last evaluated: 2015-06-17. Review status: criteria provided, single submitter. Criteria: EGL Classification Definitions. Collection method: clinical testing. Allele origin: germline. Observed: 1 variant allele, 1 heterozygote.

Clinical Genetics DNA and cytogenetics Diagnostics Lab, Erasmus MC, Erasmus Medical Center
Classification: Benign. Review status: no assertion criteria provided. Collection method: clinical testing. Allele origin: germline. Affected: yes. Study: VKGL Data-share Consensus. Not counted in ClinVar's aggregate classification.

Diagnostic Laboratory, Department of Genetics, University Medical Center Groningen
Classification: Benign. Review status: no assertion criteria provided. Collection method: clinical testing. Allele origin: germline. Affected: yes. Study: VKGL Data-share Consensus. Not counted in ClinVar's aggregate classification.

Literature cited by the submitters: PubMed 27654912 (cited by Athena Diagnostics); PubMed 26046366 (cited by Athena Diagnostics).

NM_024570.4(RNASEH2B):c.925dup (p.Ile309fs)

Gene: RNASEH2B (ribonuclease H2 subunit B; plus strand). Cytogenetic location: 13q14.3.
Variant type: Duplication.
Coding change: c.925dup on transcript NM_024570.4 (MANE Select); coding-DNA position 925, one base duplicated (A; older notation c.925dupA).
Protein change: p.Ile309fs; shifts the reading frame from isoleucine 309.
Molecular consequence: frameshift variant. On other transcripts: intron variant (1).
Genome position (GRCh38, 1-based): chr13:50,956,460, A duplicated; the last of 10 consecutive A bases (chr13:50,956,451-50,956,460); duplicating any one gives the same sequence. VCF-style (leftmost placement, unchanged base first): chr13-50956450-T-TA. GRCh37 (hg19) VCF-style: chr13-51530586-T-TA.
Other names: p.Ile309Asnfs*8; c.741+6955dup (NM_001142279.2); short protein forms I309fs.
Identifiers: ClinVar variation 281198 (VCV000281198.32), dbSNP rs75254367, ClinGen allele CA6985751.